The following is an entry in ClinVar:

NM_152703.5(SAMD9L):c.4184C>A (p.Pro1395His)

Gene: SAMD9L (sterile alpha motif domain containing 9 like; minus strand). Cytogenetic location: 7q21.2.
Variant type: single nucleotide variant.
Coding change: c.4184C>A on transcript NM_152703.5 (MANE Select); coding-DNA position 4184, C replaced by A.
Protein change: p.Pro1395His; replaces proline 1395 with histidine.
Molecular consequence: missense variant.
Genome position (GRCh38, 1-based): chr7:93,131,788, G>T on the plus strand (C>A on the coding strand, the complement: SAMD9L is on the minus strand). VCF-style: chr7-93131788-G-T. GRCh37 (hg19) VCF-style: chr7-92761101-G-T.
Other names: c.4184C>A, p.Pro1395His (NM_001303496.3, NM_001303497.3, NM_001303498.3 and 5 more transcripts); short protein forms P1395H.
Identifiers: ClinVar variation 3792201 (VCV003792201.1).

ClinVar aggregate classification (germline): Uncertain significance (1 of 4 stars; one submission).

Conditions:
Inborn genetic diseases. Identifiers: MedGen C0950123, MeSH D030342.

gnomAD v4.1: 3 of 1,613,254 alleles (0.00019%); highest among the groups gnomAD compares: Admixed American, 0.005%; no homozygotes.

Submission:

Ambry Genetics
Classification: Uncertain significance for Inborn genetic diseases. Last evaluated: 2024-12-14. Review status: criteria provided, single submitter. Criteria: Ambry Variant Classification Scheme 2023. Collection method: clinical testing. Allele origin: germline.
Comment: The p.P1395H variant (also known as c.4184C>A), located in coding exon 1 of the SAMD9L gene, results from a C to A substitution at nucleotide position 4184. The proline at codon 1395 is replaced by histidine, an amino acid with similar properties. This amino acid position is conserved. In addition, the in silico prediction for this alteration is inconclusive. Based on the available evidence, the clinical significance of this variant remains unclear.